The following is an entry in ClinVar:

NM_003235.5(TG):c.2934C>G (p.Pro978=)

Gene: TG (thyroglobulin; plus strand). Cytogenetic location: 8q24.22.
Variant type: single nucleotide variant.
Coding change: c.2934C>G on transcript NM_003235.5 (MANE Select); coding-DNA position 2934, C replaced by G.
Protein change: p.Pro978=; no amino-acid change (proline 978 retained).
Molecular consequence: synonymous variant.
Genome position (GRCh38, 1-based): chr8:132,893,862, C>G. VCF-style: chr8-132893862-C-G. GRCh37 (hg19) VCF-style: chr8-133906107-C-G.
Identifiers: ClinVar variation 2658831 (VCV002658831.27), dbSNP rs1816705279, ClinGen allele CA463216619.

ClinVar aggregate classification (germline): Likely benign. Review status: criteria provided, multiple submitters, no conflicts (2 of 4 stars). 2 submissions from 2 submitters: Likely benign (2). Last evaluated 2024-02-09.

Allele frequency attached by ClinVar (database versions not stated): gnomAD exomes below 0.00001.
gnomAD v4.1: 3 of 1,614,040 alleles (0.00019%); highest among the groups gnomAD compares: South Asian, 0.0033%; 1 homozygote.

Submissions (2):

Labcorp Genetics (formerly Invitae), Labcorp
Classification: Likely benign. Last evaluated: 2024-02-09. Review status: criteria provided, single submitter. Criteria: Invitae Variant Classification Sherloc (09022015). Collection method: clinical testing. Allele origin: germline.

CeGaT Center for Human Genetics Tuebingen
Classification: Likely benign. Last evaluated: 2022-04-01. Review status: criteria provided, single submitter. Criteria: CeGaT Center For Human Genetics Tuebingen Variant Classification Criteria Version 2. Collection method: clinical testing. Allele origin: germline. Affected: yes. Observed: 1 variant allele.
Comment: TG: PM2:Supporting, BP4, BP7